The following is an entry in ClinVar:

NM_020774.4(MIB1):c.-46GGC[1]

Genes: MIB1 (MIB E3 ubiquitin protein ligase 1; plus strand), LOC130062254 (ATAC-STARR-seq lymphoblastoid silent region 9344; plus strand). Cytogenetic location: 18q11.2.
Variant type: Microsatellite.
Coding change: c.-46GGC[1] on transcript NM_020774.4 (MANE Select); one copy of the 3-base unit GGC starting at c.-46; the reference has six copies in a row; five copies, 15 bases deleted.
Molecular consequence: 5 prime UTR variant.
Genome position (GRCh38, 1-based): chr18:21,741,541-21,741,555, GGCGGCGGCGGCGGC deleted; deleting any 15 consecutive bases within chr18:21,741,536-21,741,555 gives the same sequence; the position shown is the placement nearest the transcript's 3' end. VCF-style (leftmost placement, unchanged base first): chr18-21741535-AGCGGCGGCGGCGGCG-A. GRCh37 (hg19) VCF-style: chr18-19321496-AGCGGCGGCGGCGGCG-A.
Other names: c.-43_-29delGGCGGCGGCGGCGGC (NM_020774.3).
Identifiers: ClinVar variation 422751 (VCV000422751.1), dbSNP rs755675508, ClinGen allele CA16620664.

ClinVar aggregate classification (germline): Likely benign (1 of 4 stars; one submission).

Submission:

GeneDx
Classification: Likely benign. Last evaluated: 2018-02-22. Review status: criteria provided, single submitter. Criteria: GeneDx Variant Classification (06012015). Collection method: clinical testing. Allele origin: germline. Affected: yes.
Comment: This variant is considered likely benign or benign based on one or more of the following criteria: it is a conservative change, it occurs at a poorly conserved position in the protein, it is predicted to be benign by multiple in silico algorithms, and/or has population frequency not consistent with disease.